The following is an entry in ClinVar:

ClinVar aggregate classification (germline): Uncertain significance (1 of 4 stars; one submission).

Conditions:
RAI1-related disorder. Also called: RAI1-related condition.

Submission:

PreventionGenetics, part of Exact Sciences
Classification: Uncertain significance for RAI1-related condition. Last evaluated: 2024-12-11. Review status: criteria provided, single submitter. Criteria: ACMG Guidelines, 2015. Collection method: clinical testing. Allele origin: germline.
Comment: The RAI1 c.1719G>C variant is predicted to result in the amino acid substitution p.Gln573His. To our knowledge, this variant has not been reported in the literature or in a large population database (gnomAD), indicating this variant is rare. At this time, the clinical significance of this variant is uncertain due to the absence of conclusive functional and genetic evidence.

NM_030665.4(RAI1):c.1719G>C (p.Gln573His)

Gene: RAI1 (retinoic acid induced 1; plus strand). Cytogenetic location: 17p11.2.
Variant type: single nucleotide variant.
Coding change: c.1719G>C on transcript NM_030665.4 (MANE Select); coding-DNA position 1719, G replaced by C.
Protein change: p.Gln573His; replaces glutamine 573 with histidine.
Molecular consequence: missense variant.
Genome position (GRCh38, 1-based): chr17:17,794,667, G>C. VCF-style: chr17-17794667-G-C. GRCh37 (hg19) VCF-style: chr17-17697981-G-C.
Other names: short protein forms Q573H.
Identifiers: ClinVar variation 4985671 (VCV004985671.1).